The following is an entry in ClinVar:

NM_000384.3(APOB):c.2137G>C (p.Asp713His)

Gene: APOB (apolipoprotein B; minus strand). Cytogenetic location: 2p24.1.
Variant type: single nucleotide variant.
Coding change: c.2137G>C on transcript NM_000384.3 (MANE Select); coding-DNA position 2137, G replaced by C.
Protein change: p.Asp713His; replaces aspartic acid 713 with histidine.
Molecular consequence: missense variant.
Genome position (GRCh38, 1-based): chr2:21,026,895, C>G on the plus strand (G>C on the coding strand, the complement: APOB is on the minus strand). VCF-style: chr2-21026895-C-G. GRCh37 (hg19) VCF-style: chr2-21249767-C-G.
Other names: short protein forms D713H.
Identifiers: ClinVar variation 3753606 (VCV003753606.2).
Genomic context (GRCh38, chr2:21,026,895, plus strand): 5'-CCTTAGAGACACCATCAGGAACTTGACCATTAACCCAGTACAAAGCTTTGTTGACACTGT[C>G]TGGGAAAAATCCTTGCTTCCCAAAAAGAGCTTCCAATGTTGGCTCAAAGCCTTTTCCTTC-3'
Protein context (NP_000375.3, residues 703-723): ALFGKQGFFP[Asp713His]SVNKALYWVN

ClinVar aggregate classification (germline): Uncertain significance (1 of 4 stars; one submission).

Conditions:
Familial hypobetalipoproteinemia 1. Also called: APOB-Related Familial Hypobetalipoproteinemia; Hypobetalipoproteinemia, normotriglyceridemic; Acanthocytosis with hypobetalipoproteinemia. Identifiers: MedGen C4551990, MONDO:0014252, OMIM 615558.
Hypercholesterolemia, autosomal dominant, type B (FHCL2). Also called: Familial Hypercholesterolemia Type B; APOLIPOPROTEIN B-100, FAMILIAL DEFECTIVE; APOLIPOPROTEIN B-100, FAMILIAL LIGAND-DEFECTIVE; HYPERCHOLESTEROLEMIA, FAMILIAL, DUE TO LIGAND-DEFECTIVE APOLIPOPROTEIN B; Hyperlipoproteinemia Type IIb; Familial hypercholesterolemia 2. Identifiers: MedGen C1704417, MONDO:0007751, OMIM 144010.

Submission:

Labcorp Genetics (formerly Invitae), Labcorp
Classification: Uncertain significance for Familial hypobetalipoproteinemia 1; Hypercholesterolemia, autosomal dominant, type B. Last evaluated: 2025-01-19. Review status: criteria provided, single submitter. Criteria: Invitae Variant Classification Sherloc (09022015). Collection method: clinical testing. Allele origin: germline.
Comment: This sequence change replaces aspartic acid, which is acidic and polar, with histidine, which is basic and polar, at codon 713 of the APOB protein (p.Asp713His). This variant is not present in population databases (gnomAD no frequency). This variant has not been reported in the literature in individuals affected with APOB-related conditions. Invitae Evidence Modeling of protein sequence and biophysical properties (such as structural, functional, and spatial information, amino acid conservation, physicochemical variation, residue mobility, and thermodynamic stability) indicates that this missense variant is not expected to disrupt APOB protein function with a negative predictive value of 95%. In summary, the available evidence is currently insufficient to determine the role of this variant in disease. Therefore, it has been classified as a Variant of Uncertain Significance.